The following is an entry in ClinVar:

NM_007294.4(BRCA1):c.646A>G (p.Ile216Val)

Gene: BRCA1 (BRCA1 DNA repair associated; minus strand). Cytogenetic location: 17q21.31.
Variant type: single nucleotide variant.
Coding change: c.646A>G on transcript NM_007294.4 (MANE Select); coding-DNA position 646, A replaced by G.
Protein change: p.Ile216Val; replaces isoleucine 216 with valine.
Molecular consequence: missense variant. On other transcripts: non-coding transcript variant (1).
Genome position (GRCh38, 1-based): chr17:43,095,870, T>C on the plus strand (A>G on the coding strand, the complement: BRCA1 is on the minus strand). VCF-style: chr17-43095870-T-C. GRCh37 (hg19) VCF-style: chr17-41247887-T-C.
Other names: 765A>G; c.568A>G, p.Ile190Val (NM_001408411.1, NM_001408412.1, NM_001408414.1 and 9 more transcripts); c.565A>G, p.Ile189Val (NM_001408413.1, NM_001408416.1, NM_001407659.1 and 3 more transcripts); c.646A>G, p.Ile216Val (NM_001408418.1, NM_001408419.1, NM_001408420.1 and 59 more transcripts); c.643A>G, p.Ile215Val (NM_001408421.1, NM_001408424.1, NM_001408431.1 and 41 more transcripts); c.511A>G, p.Ile171Val (NM_001408451.1); c.505A>G, p.Ile169Val (NM_001408452.1, NM_001408453.1, NM_001408454.1 and 43 more transcripts); c.502A>G, p.Ile168Val (NM_001408462.1, NM_001408463.1, NM_001408464.1 and 26 more transcripts); and 5 more; short protein forms I216V, I169V, I168V, I213V, I89V, I145V, I146V, I88V.
Identifiers: ClinVar variation 91659 (VCV000091659.23), dbSNP rs398122704, ClinGen allele CA003773.

ClinVar aggregate classification (germline): Conflicting classifications of pathogenicity. Review status: criteria provided, conflicting classifications (1 of 4 stars). 6 submissions from 6 submitters: Uncertain significance (4); Likely benign (1). 1 of the submissions does not count toward it. Last evaluated 2025-10-26.

Conditions:
Hereditary cancer-predisposing syndrome. Also called: Hereditary Cancer Syndrome; Neoplastic Syndromes, Hereditary; Hereditary neoplastic syndrome; Tumor predisposition. Identifiers: Orphanet 140162, MedGen C0027672, MeSH D009386, MONDO:0015356.
Breast-ovarian cancer, familial, susceptibility to, 1 (BROVCA1). Also called: BRCA1 Hereditary Breast and Ovarian Cancer; OVARIAN CANCER, SUSCEPTIBILITY TO. Identifiers: Orphanet 145, MedGen C2676676, MONDO:0011450, OMIM 604370. Disease mechanism: loss of function.
Hereditary breast ovarian cancer syndrome. Also called: Hereditary breast and/or ovarian cancer syndrome; Hereditary breast and ovarian cancer syndrome; Hereditary breast and ovarian cancer; Hereditary breast and ovarian cancer syndrome (HBOC); Breast and ovarian cancer; BRCA1- and BRCA2-Associated Hereditary Breast and Ovarian Cancer. Identifiers: Orphanet 145, MedGen C0677776, MeSH D061325, MONDO:0003582. Disease mechanism: loss of function.

Allele frequency attached by ClinVar (database versions not stated): TOPMed below 0.00001.

Submissions (6):

Women's Health and Genetics/Laboratory Corporation of America, LabCorp
Classification: Uncertain significance. Last evaluated: 2025-10-26. Review status: criteria provided, single submitter. Criteria: LabCorp Variant Classification Summary - May 2015. Collection method: clinical testing. Allele origin: germline.

Labcorp Genetics (formerly Invitae), Labcorp
Classification: Uncertain significance for Hereditary breast ovarian cancer syndrome. Last evaluated: 2025-04-29. Review status: criteria provided, single submitter. Criteria: Invitae Variant Classification Sherloc (09022015). Collection method: clinical testing. Allele origin: germline.
Comment: This sequence change replaces isoleucine, which is neutral and non-polar, with valine, which is neutral and non-polar, at codon 216 of the BRCA1 protein (p.Ile216Val). This variant is not present in population databases (gnomAD no frequency). This variant has not been reported in the literature in individuals affected with BRCA1-related conditions. ClinVar contains an entry for this variant (Variation ID: 91659). Invitae Evidence Modeling of protein sequence and biophysical properties (such as structural, functional, and spatial information, amino acid conservation, physicochemical variation, residue mobility, and thermodynamic stability) indicates that this missense variant is not expected to disrupt BRCA1 protein function with a negative predictive value of 80%. In summary, the available evidence is currently insufficient to determine the role of this variant in disease. Therefore, it has been classified as a Variant of Uncertain Significance.

Myriad Genetics, Inc.
Classification: Likely benign for Breast-ovarian cancer, familial, susceptibility to, 1. Last evaluated: 2025-04-04. Review status: criteria provided, single submitter. Criteria: Myriad Autosomal Dominant, Autosomal Recessive and X-Linked Classification Criteria (2023). Collection method: clinical testing. Allele origin: unknown.
Comment: This variant is considered likely benign. This variant is strongly associated with less severe personal and family histories of cancer, typical for individuals without pathogenic variants in this gene [PMID: 25085752].

Ambry Genetics
Classification: Uncertain significance for Hereditary cancer-predisposing syndrome. Last evaluated: 2024-11-22. Review status: criteria provided, single submitter. Criteria: Ambry Variant Classification Scheme 2023. Collection method: clinical testing. Allele origin: germline.
Comment: The p.I216V variant (also known as c.646A>G), located in coding exon 8 of the BRCA1 gene, results from an A to G substitution at nucleotide position 646. The isoleucine at codon 216 is replaced by valine, an amino acid with highly similar properties. This amino acid position is poorly conserved in available vertebrate species. In addition, the in silico prediction for this alteration is inconclusive. Since supporting evidence is limited at this time, the clinical significance of this alteration remains unclear.

GeneDx
Classification: Uncertain significance. Last evaluated: 2024-06-11. Review status: criteria provided, single submitter. Criteria: GeneDx Variant Classification Process June 2021. Collection method: clinical testing. Allele origin: germline. Affected: yes.
Comment: Not observed at significant frequency in large population cohorts (gnomAD); In silico analysis indicates that this missense variant does not alter protein structure/function; Has not been previously published as pathogenic or benign to our knowledge; Also known as 765A>G; This variant is associated with the following publications: (PMID: 9788437, 20215511)

Sharing Clinical Reports Project (SCRP)
Classification: Uncertain significance for Breast-ovarian cancer, familial 1. Last evaluated: 2012-04-02. Review status: no assertion criteria provided. Collection method: clinical testing. Allele origin: germline. Not counted in ClinVar's aggregate classification.

Literature cited by the submitters: PubMed 25085752 (cited by Myriad Genetics, Inc.).